The following is an entry in ClinVar:

ClinVar aggregate classification (germline): Benign. Review status: criteria provided, multiple submitters, no conflicts (2 of 4 stars). 3 submissions from 3 submitters: Benign (3). Last evaluated 2023-11-12.

Allele frequency attached by ClinVar (database versions not stated): 1000 Genomes Project 30x 0.18738; 1000 Genomes Project 0.19169; ESP Exome Variant Server 0.21397; TOPMed 0.20599.
gnomAD v4.1: 282,948 of 1,151,224 alleles (25%); highest among the groups gnomAD compares: Admixed American, 31%; 37,874 homozygotes.

Submissions (3):

Unidad de Genómica Garrahan, Hospital de Pediatría Garrahan
Classification: Benign. Last evaluated: 2023-11-12. Review status: criteria provided, single submitter. Criteria: ACMG Guidelines, 2015. Collection method: clinical testing. Allele origin: germline. Affected: no. Observed: 49 variant alleles.
Comment: This variant is classified as Benign based on local population frequency. This variant was detected in 51% of patients studied by a panel of primary immunodeficiencies. Number of patients: 49. Only high quality variants are reported.

GeneDx
Classification: Benign. Last evaluated: 2021-05-12. Review status: criteria provided, single submitter. Criteria: GeneDx Variant Classification Process June 2021. Collection method: clinical testing. Allele origin: germline. Affected: yes.

Breakthrough Genomics
Classification: Benign. Review status: criteria provided, single submitter. Criteria: ACMG Guidelines, 2015. Collection method: not provided. Allele origin: germline. Inheritance: Autosomal recessive inheritance. Affected: yes.

NM_173842.3(IL1RN):c.205+53G>C

Gene: IL1RN (interleukin 1 receptor antagonist; plus strand). Cytogenetic location: 2q14.1.
Variant type: single nucleotide variant.
Coding change: c.205+53G>C on transcript NM_173842.3 (MANE Select); 53 bases into the intron after coding-DNA position 205, G replaced by C.
Molecular consequence: intron variant.
Genome position (GRCh38, 1-based): chr2:113,129,717, G>C. VCF-style: chr2-113129717-G-C. GRCh37 (hg19) VCF-style: chr2-113887294-G-C.
Other names: c.103+53G>C (NM_001318914.2, NM_173843.3, NM_001379360.1); c.214+53G>C (NM_173841.3); c.151+53G>C (NM_000577.5).
Identifiers: ClinVar variation 1294761 (VCV001294761.5), dbSNP rs495282, ClinGen allele CA11025323.